The following is an entry in ClinVar:

NM_001367624.2(ZNF469):c.2647C>A (p.His883Asn)

Gene: ZNF469 (zinc finger protein 469; plus strand). Cytogenetic location: 16q24.2.
Variant type: single nucleotide variant.
Coding change: c.2647C>A on transcript NM_001367624.2 (MANE Select); coding-DNA position 2647, C replaced by A.
Protein change: p.His883Asn; replaces histidine 883 with asparagine.
Molecular consequence: missense variant.
Genome position (GRCh38, 1-based): chr16:88,430,117, C>A. VCF-style: chr16-88430117-C-A. GRCh37 (hg19) VCF-style: chr16-88496525-C-A.
Other names: NM_001127464.1:c.2647C>A; short protein forms H883N.
Identifiers: ClinVar variation 3821093 (VCV003821093.2).
Genomic context (GRCh38, chr16:88,430,117, plus strand): 5'-AGCTTCATCGACGTCTTCGCGGACGAGGAGCCTTCCGGCCCCAGAGGTCCCAGCTCCGGA[C>A]ACCCCCTTAAGAGCAAGGCGGGGGTGACTCCAGAGAGCAAAGCTCCGCCCCCGCTCCCAG-3'
Protein context (NP_001354553.1, residues 873-893): PSGPRGPSSG[His883Asn]PLKSKAGVTP

ClinVar aggregate classification (germline): Uncertain significance. Review status: criteria provided, multiple submitters, no conflicts (2 of 4 stars). 2 submissions from 2 submitters: Uncertain significance (2). Last evaluated 2025-10-10.

Conditions:
Cardiovascular phenotype. Identifiers: MedGen CN230736.

gnomAD v4.1: 2 of 1,550,232 alleles (0.00013%); highest among the groups gnomAD compares: African/African-American, 0.0014%; no homozygotes.

Submissions (2):

Women's Health and Genetics/Laboratory Corporation of America, LabCorp
Classification: Uncertain significance. Last evaluated: 2025-10-10. Review status: criteria provided, single submitter. Criteria: LabCorp Variant Classification Summary - May 2015. Collection method: clinical testing. Allele origin: germline.
Comment: Variant summary: ZNF469 c.2647C>A (p.His883Asn) results in a conservative amino acid change in the encoded protein sequence. Algorithms developed to predict the effect of missense changes on protein structure and function are either unavailable or do not agree on the potential impact of this missense change. The frequency data for this variant in gnomAD is considered unreliable, as metrics indicate poor data quality at this position. To our knowledge, no occurrence of c.2647C>A in individuals affected with ZNF469-related conditions and no experimental evidence demonstrating its impact on protein function have been reported. ClinVar contains an entry for this variant (Variation ID: 3821093). Based on the evidence outlined above, the variant was classified as uncertain significance.

Ambry Genetics
Classification: Uncertain significance for Cardiovascular phenotype. Last evaluated: 2024-12-20. Review status: criteria provided, single submitter. Criteria: Ambry Variant Classification Scheme 2023. Collection method: clinical testing. Allele origin: germline.
Comment: The p.H883N variant (also known as c.2647C>A), located in coding exon 1 of the ZNF469 gene, results from a C to A substitution at nucleotide position 2647. The histidine at codon 883 is replaced by asparagine, an amino acid with similar properties. This amino acid position is conserved. In addition, this alteration is predicted to be tolerated by in silico analysis. Based on the available evidence, the clinical significance of this variant remains unclear.